The following is an entry in ClinVar:

ClinVar aggregate classification (germline): Uncertain significance (1 of 4 stars; one submission).

Conditions:
Dilated cardiomyopathy 1G (CMD1G). Identifiers: Orphanet 154, MedGen C1858763, MONDO:0011400, OMIM 604145.
Autosomal recessive limb-girdle muscular dystrophy type 2J (LGMDR10). Also called: Limb-girdle muscular dystrophy, type 2J; MUSCULAR DYSTROPHY, LIMB-GIRDLE, AUTOSOMAL RECESSIVE 10. Identifiers: Orphanet 140922, MedGen C1837342, MONDO:0012127, OMIM 608807.

Allele frequency attached by ClinVar (database versions not stated): gnomAD exomes below 0.00001; TOPMed below 0.00001.
gnomAD v4.1: 2 of 1,613,880 alleles (0.00012%); highest among the groups gnomAD compares: South Asian, 0.0022%; no homozygotes.

Submission:

Labcorp Genetics (formerly Invitae), Labcorp
Classification: Uncertain significance for Dilated cardiomyopathy 1G; Autosomal recessive limb-girdle muscular dystrophy type 2J. Last evaluated: 2025-12-10. Review status: criteria provided, single submitter. Criteria: Invitae Variant Classification Sherloc (09022015). Collection method: clinical testing. Allele origin: germline.
Comment: This sequence change replaces histidine, which is basic and polar, with tyrosine, which is neutral and polar, at codon 35946 of the TTN protein (p.His35946Tyr). This variant is not present in population databases (gnomAD no frequency). This variant has not been reported in the literature in individuals affected with TTN-related conditions. ClinVar contains an entry for this variant (Variation ID: 1045005). Experimental studies and prediction algorithms are not available or were not evaluated, and the functional significance of this variant is currently unknown. This variant is located in the M band of TTN (PMID: 25589632). Non-truncating variants in this region may be relevant for neuromuscular disorders, but have not been definitively shown to cause cardiomyopathy (PMID: 23975875). This variant disrupts the p.His35946 (also known as p.His33378 and H56) amino acid residue in TTN. Other variant(s) that disrupt this residue have been determined to be pathogenic (PMID: 19911250, 25739468). This suggests that this residue is clinically significant, and that variants that disrupt this residue are likely to be disease-causing. In summary, the available evidence is currently insufficient to determine the role of this variant in disease. Therefore, it has been classified as a Variant of Uncertain Significance.

Literature cited by the submitters: PubMed 25589632; PubMed 23975875; PubMed 19911250; PubMed 25739468.

NM_001267550.2(TTN):c.107836C>T (p.His35946Tyr)

Genes: TTN-AS1 (TTN antisense RNA 1; plus strand), TTN (titin; minus strand). Cytogenetic location: 2q31.2.
Variant type: single nucleotide variant.
Coding change: c.107836C>T on transcript NM_001267550.2 (MANE Select); coding-DNA position 107836, C replaced by T.
Protein change: p.His35946Tyr; replaces histidine 35946 with tyrosine.
Molecular consequence: missense variant.
Genome position (GRCh38, 1-based): chr2:178,527,152, G>A on the plus strand (C>T on the coding strand, the complement: TTN is on the minus strand). VCF-style: chr2-178527152-G-A. GRCh37 (hg19) VCF-style: chr2-179391879-G-A.
Other names: c.102913C>T, p.His34305Tyr (NM_001256850.1); c.80641C>T, p.His26881Tyr (NM_003319.4); c.100132C>T, p.His33378Tyr (NM_133378.4); c.81016C>T, p.His27006Tyr (NM_133432.3); c.81217C>T, p.His27073Tyr (NM_133437.4); short protein forms H27073Y, H26881Y, H33378Y, H27006Y, H34305Y, H35946Y.
Identifiers: ClinVar variation 1045005 (VCV001045005.9), dbSNP rs1686745897, ClinGen allele CA349398762.